The following is an entry in ClinVar:

ClinVar aggregate classification (germline): Uncertain significance (1 of 4 stars; one submission).

gnomAD v4.1: 53 of 1,614,030 alleles (0.0033%); highest among the groups gnomAD compares: Non-Finnish European, 0.004%; no homozygotes.

Submission:

GeneDx
Classification: Uncertain significance. Last evaluated: 2024-08-07. Review status: criteria provided, single submitter. Criteria: GeneDx Variant Classification Process June 2021. Collection method: clinical testing. Allele origin: germline. Affected: yes.
Comment: In silico analysis indicates that this missense variant does not alter protein structure/function; Has not been previously published as pathogenic or benign to our knowledge

NM_014846.4(WASHC5):c.3319G>T (p.Val1107Leu)

Genes: WASHC5 (WASH complex subunit 5; minus strand), LOC126860498 (P300/CBP strongly-dependent group 1 enhancer GRCh37_chr8:126043836-126045035; plus strand). Cytogenetic location: 8q24.13.
Variant type: single nucleotide variant.
Coding change: c.3319G>T on transcript NM_014846.4 (MANE Select); coding-DNA position 3319, G replaced by T.
Protein change: p.Val1107Leu; replaces valine 1107 with leucine.
Molecular consequence: missense variant.
Genome position (GRCh38, 1-based): chr8:125,032,257, C>A on the plus strand (G>T on the coding strand, the complement: WASHC5 is on the minus strand). VCF-style: chr8-125032257-C-A. GRCh37 (hg19) VCF-style: chr8-126044499-C-A.
Other names: c.2875G>T, p.Val959Leu (NM_001330609.2); short protein forms V1107L, V959L.
Identifiers: ClinVar variation 3730960 (VCV003730960.1).
Genomic context (GRCh38, chr8:125,032,257, plus strand): 5'-TTTGTGACAAGAAGTCCCACGTAGTCCTGGTTGGTCTTCTGTACCTTGTACACTGCTCCA[C>A]CGTGGAGCAGATAAACTGGCCAATCAGCGCCAGGAACTGCTCGGTGTACCGGGAATGGAA-3'
Protein context (NP_055661.3, residues 1097-1117): ALIGQFICST[Val1107Leu]EQCTSQKIPE